The following is an entry in ClinVar:

NM_173728.4(ARHGEF15):c.1462C>A (p.His488Asn)

Gene: ARHGEF15 (Rho guanine nucleotide exchange factor 15; plus strand). Cytogenetic location: 17p13.1.
Variant type: single nucleotide variant.
Coding change: c.1462C>A on transcript NM_173728.4 (MANE Select); coding-DNA position 1462, C replaced by A.
Protein change: p.His488Asn; replaces histidine 488 with asparagine.
Molecular consequence: missense variant.
Genome position (GRCh38, 1-based): chr17:8,315,795, C>A. VCF-style: chr17-8315795-C-A. GRCh37 (hg19) VCF-style: chr17-8219113-C-A.
Other names: c.1462C>A, p.His488Asn (NM_025014.2); short protein forms H488N.
Identifiers: ClinVar variation 576975 (VCV000576975.9), dbSNP rs147556222, ClinGen allele CA8375188.

ClinVar aggregate classification (germline): Uncertain significance (1 of 4 stars; one submission).

Conditions:
Early-infantile DEE. Also called: Early infantile epileptic encephalopathy with suppression bursts; Early infantile epileptic encephalopathy; Ohtahara syndrome. Identifiers: Orphanet 1934, MedGen C0393706, MONDO:0800491.

Allele frequency attached by ClinVar (database versions not stated): TOPMed 0.00010; ESP Exome Variant Server 0.00023.
gnomAD v4.1: 53 of 1,613,324 alleles (0.0033%); highest among the groups gnomAD compares: Middle Eastern, 0.049%; no homozygotes.

Submission:

Labcorp Genetics (formerly Invitae), Labcorp
Classification: Uncertain significance for Early-infantile DEE. Last evaluated: 2025-09-11. Review status: criteria provided, single submitter. Criteria: Invitae Variant Classification Sherloc (09022015). Collection method: clinical testing. Allele origin: germline.
Comment: This sequence change replaces histidine, which is basic and polar, with asparagine, which is neutral and polar, at codon 488 of the ARHGEF15 protein (p.His488Asn). This variant is present in population databases (rs147556222, gnomAD 0.01%). This variant has not been reported in the literature in individuals affected with ARHGEF15-related conditions. ClinVar contains an entry for this variant (Variation ID: 576975). An algorithm developed to predict the effect of missense changes on protein structure and function (PolyPhen-2) suggests that this variant is likely to be disruptive. In summary, the available evidence is currently insufficient to determine the role of this variant in disease. Therefore, it has been classified as a Variant of Uncertain Significance.